The following is an entry in ClinVar:

ClinVar aggregate classification (germline): Uncertain significance. Review status: criteria provided, multiple submitters, no conflicts (2 of 4 stars). 4 submissions from 4 submitters: Uncertain significance (4). Last evaluated 2025-11-11.

Conditions:
Hereditary cancer-predisposing syndrome. Also called: Hereditary neoplastic syndrome; Neoplastic Syndromes, Hereditary; Tumor predisposition; Hereditary Cancer Syndrome. Identifiers: Orphanet 140162, MedGen C0027672, MeSH D009386, MONDO:0015356.
Hereditary breast ovarian cancer syndrome. Also called: Hereditary breast and ovarian cancer syndrome (HBOC); BRCA1- and BRCA2-Associated Hereditary Breast and Ovarian Cancer; Hereditary breast and ovarian cancer syndrome; Breast and ovarian cancer; Hereditary breast and ovarian cancer; Hereditary breast and/or ovarian cancer syndrome. Identifiers: Orphanet 145, MedGen C0677776, MeSH D061325, MONDO:0003582. Disease mechanism: loss of function.

gnomAD v4.1: 3 of 1,614,112 alleles (0.00019%); highest among the groups gnomAD compares: Middle Eastern, 0.016%; no homozygotes.

Submissions (4):

Labcorp Genetics (formerly Invitae), Labcorp
Classification: Uncertain significance for Hereditary breast ovarian cancer syndrome. Last evaluated: 2025-11-11. Review status: criteria provided, single submitter. Criteria: Invitae Variant Classification Sherloc (09022015). Collection method: clinical testing. Allele origin: germline.
Comment: This sequence change replaces proline, which is neutral and non-polar, with alanine, which is neutral and non-polar, at codon 1430 of the BRCA1 protein (p.Pro1430Ala). This variant is not present in population databases (gnomAD no frequency). This variant has not been reported in the literature in individuals affected with BRCA1-related conditions. ClinVar contains an entry for this variant (Variation ID: 531218). Invitae Evidence Modeling of protein sequence and biophysical properties (such as structural, functional, and spatial information, amino acid conservation, physicochemical variation, residue mobility, and thermodynamic stability) indicates that this missense variant is not expected to disrupt BRCA1 protein function with a negative predictive value of 80%. In summary, the available evidence is currently insufficient to determine the role of this variant in disease. Therefore, it has been classified as a Variant of Uncertain Significance.

Color Diagnostics, LLC DBA Color Health
Classification: Uncertain significance for Hereditary cancer-predisposing syndrome. Last evaluated: 2025-08-26. Review status: criteria provided, single submitter. Criteria: ACMG Guidelines, 2015. Collection method: clinical testing. Allele origin: germline.
Comment: This missense variant replaces proline with alanine at codon 1430 of the BRCA1 protein. Computational prediction suggests that this variant may not impact protein structure and function. To our knowledge, functional studies have not been reported for this variant. This variant has not been reported in individuals affected with BRCA1-related disorders in the literature. This variant has not been identified in the general population by the Genome Aggregation Database (gnomAD). The available evidence is insufficient to determine the role of this variant in disease conclusively. Therefore, this variant is classified as a Variant of Uncertain Significance.

Ambry Genetics
Classification: Uncertain significance for Hereditary cancer-predisposing syndrome. Last evaluated: 2023-10-01. Review status: criteria provided, single submitter. Criteria: Ambry Variant Classification Scheme 2023. Collection method: clinical testing. Allele origin: germline.
Comment: The p.P1430A variant (also known as c.4288C>G), located in coding exon 11 of the BRCA1 gene, results from a C to G substitution at nucleotide position 4288. The proline at codon 1430 is replaced by alanine, an amino acid with highly similar properties. This amino acid position is not well conserved in available vertebrate species, and alanine is the reference amino acid in other vertebrate species. In addition, this alteration is predicted to be tolerated by in silico analysis. Since supporting evidence is limited at this time, the clinical significance of this alteration remains unclear.

Quest Diagnostics Nichols Institute San Juan Capistrano
Classification: Uncertain significance. Last evaluated: 2020-05-18. Review status: criteria provided, single submitter. Criteria: Quest Diagnostics criteria. Collection method: clinical testing. Allele origin: unknown.

NM_007294.4(BRCA1):c.4288C>G (p.Pro1430Ala)

Gene: BRCA1 (BRCA1 DNA repair associated; minus strand). Cytogenetic location: 17q21.31.
Variant type: single nucleotide variant.
Coding change: c.4288C>G on transcript NM_007294.4 (MANE Select); coding-DNA position 4288, C replaced by G.
Protein change: p.Pro1430Ala; replaces proline 1430 with alanine.
Molecular consequence: missense variant. On other transcripts: non-coding transcript variant (1).
Genome position (GRCh38, 1-based): chr17:43,082,473, G>C on the plus strand (C>G on the coding strand, the complement: BRCA1 is on the minus strand). VCF-style: chr17-43082473-G-C. GRCh37 (hg19) VCF-style: chr17-41234490-G-C.
Other names: c.4144C>G, p.Pro1382Ala (NM_001407844.1, NM_001407845.1, NM_001407846.1 and 23 more transcripts); c.853C>G, p.Pro285Ala (NM_001408443.1, NM_001408444.1, NM_001408445.1 and 10 more transcripts); c.4141C>G, p.Pro1381Ala (NM_001407847.1, NM_001407849.1, NM_001407848.1); c.844C>G, p.Pro282Ala (NM_001408451.1); c.838C>G, p.Pro280Ala (NM_001408452.1, NM_001408410.1, NM_001408453.1 and 8 more transcripts); c.4285C>G, p.Pro1429Ala (NM_001407615.1, NM_001407624.1, NM_001407625.1 and 21 more transcripts); c.4288C>G, p.Pro1430Ala (NM_001407616.1, NM_001407617.1, NM_001407618.1 and 23 more transcripts); c.4282C>G, p.Pro1428Ala (NM_001407627.1, NM_001407628.1, NM_001407629.1 and 5 more transcripts); and 51 more; short protein forms P1430A, P1383A, P327A, P1318A, P1381A, P1388A, P1429A, P199A.
Identifiers: ClinVar variation 531218 (VCV000531218.19), dbSNP rs80357466, ClinGen allele CA10593144.